The following is an entry in ClinVar:

ClinVar aggregate classification (germline): Uncertain significance (1 of 4 stars; one submission).

Allele frequency attached by ClinVar (database versions not stated): gnomAD exomes 0.00001.
gnomAD v4.1: 3 of 1,614,214 alleles (0.00019%); highest among the groups gnomAD compares: Admixed American, 0.0017%; no homozygotes.

Submission:

Labcorp Genetics (formerly Invitae), Labcorp
Classification: Uncertain significance. Last evaluated: 2025-02-11. Review status: criteria provided, single submitter. Criteria: Invitae Variant Classification Sherloc (09022015). Collection method: clinical testing. Allele origin: germline.
Comment: This sequence change replaces methionine, which is neutral and non-polar, with threonine, which is neutral and polar, at codon 305 of the CNGA1 protein (p.Met305Thr). This variant is present in population databases (no rsID available, gnomAD no frequency). This variant has not been reported in the literature in individuals affected with CNGA1-related conditions. ClinVar contains an entry for this variant (Variation ID: 1958116). Invitae Evidence Modeling of protein sequence and biophysical properties (such as structural, functional, and spatial information, amino acid conservation, physicochemical variation, residue mobility, and thermodynamic stability) indicates that this missense variant is not expected to disrupt CNGA1 protein function with a negative predictive value of 80%. In summary, the available evidence is currently insufficient to determine the role of this variant in disease. Therefore, it has been classified as a Variant of Uncertain Significance.

NM_001379270.1(CNGA1):c.902T>C (p.Met301Thr)

Genes: CNGA1 (cyclic nucleotide gated channel subunit alpha 1; minus strand), LOC101927157 (uncharacterized LOC101927157; plus strand). Cytogenetic location: 4p12.
Variant type: single nucleotide variant.
Coding change: c.902T>C on transcript NM_001379270.1 (MANE Select); coding-DNA position 902, T replaced by C.
Protein change: p.Met301Thr; replaces methionine 301 with threonine.
Molecular consequence: missense variant.
Genome position (GRCh38, 1-based): chr4:47,937,580, A>G on the plus strand (T>C on the coding strand, the complement: CNGA1 is on the minus strand). VCF-style: chr4-47937580-A-G. GRCh37 (hg19) VCF-style: chr4-47939597-A-G.
Other names: c.902T>C, p.Met301Thr (NM_000087.5, NM_001142564.2); short protein forms M301T.
Identifiers: ClinVar variation 1958116 (VCV001958116.5), dbSNP rs1475259449, ClinGen allele CA356827938.